The following is an entry in ClinVar:

ClinVar aggregate classification (germline): Likely pathogenic. Review status: criteria provided, multiple submitters, no conflicts (2 of 4 stars). 3 submissions from 3 submitters: Likely pathogenic (3). Last evaluated 2025-09-11.

Conditions:
TP63-related disorder. Also called: TP63-related condition; TP63-Related Disorders. Identifiers: MedGen CN380159.
Ectrodactyly, ectodermal dysplasia, and cleft lip-palate syndrome 3. Also called: Ectrodactyly, Ectodermal Dysplasia, Cleft Lip/Palate Syndrome 3 (EEC3); EEC SYNDROME 3; Ectrodactyly, Ectodermal Dysplasia, Clefting Syndrome Type 3 (EEC3); Ectrodactyly, Ectodermal Dysplasia, Clefting Syndrome. Identifiers: Orphanet 1896, MedGen C1858562, MONDO:0011428, OMIM 604292.

Submissions (3):

Institute of Human Genetics, FAU Erlangen, Friedrich-Alexander-Universität Erlangen-Nürnberg
Classification: Likely pathogenic for Ectrodactyly, ectodermal dysplasia, and cleft lip-palate syndrome 3. Last evaluated: 2025-09-11. Review status: criteria provided, single submitter. Criteria: Hauer et al. (Genet Med. 2018). Collection method: clinical testing. Allele origin: germline. Inheritance: Unknown mechanism. Affected: yes. Observed: 1 variant allele.
Comment: This variant has been identified by standard clinical testing.

PreventionGenetics, part of Exact Sciences
Classification: Likely pathogenic for TP63-related condition. Last evaluated: 2023-06-01. Review status: criteria provided, single submitter. Criteria: ACMG Guidelines, 2015. Collection method: clinical testing. Allele origin: germline.
Comment: The TP63 c.970_972delATT variant is predicted to result in an in-frame deletion (p.Ile324del). This variant was reported as a de novo variant in one individual with EEC/EECUT plus syndrome (Giampietro. 2013. PubMed ID: 23613309). This variant has not been reported in a large population database, indicating this variant is rare. This variant is interpreted as likely pathogenic.

Revvity Omics, Revvity
Classification: Likely pathogenic. Last evaluated: 2019-07-19. Review status: criteria provided, single submitter. Criteria: ACMG Guidelines, 2015. Collection method: clinical testing. Allele origin: germline.

NM_003722.5(TP63):c.970_972del (p.Ile324del)

Gene: TP63 (tumor protein p63; plus strand). Cytogenetic location: 3q28.
Variant type: Deletion.
Coding change: c.970_972del on transcript NM_003722.5 (MANE Select); coding-DNA positions 970 to 972, 3 bases deleted (ATT; older notation c.970_972delATT).
Protein change: p.Ile324del; deletes isoleucine 324.
Molecular consequence: inframe deletion.
Genome position (GRCh38, 1-based): chr3:189,867,920-189,867,922, ATT deleted. VCF-style (leftmost placement, unchanged base first): chr3-189867919-CATT-C. GRCh37 (hg19) VCF-style: chr3-189585708-CATT-C.
Other names: c.688_690del, p.Ile230del (NM_001114982.2, NM_001329145.2, NM_001329149.2 and 2 more transcripts); c.970_972del, p.Ile324del (NM_001329144.2, NM_001329148.2, NM_001114978.2 and 1 more transcripts); c.433_435del, p.Ile145del (NM_001329146.2, NM_001329150.2); c.964_966del, p.Ile322del (NM_001329964.2); c.970_972delATT (NM_003722.4); short protein forms I145del, I230del, I322del, I324del.
Identifiers: ClinVar variation 1325219 (VCV001325219.6), dbSNP rs2108804508, ClinGen allele CA2573052131.